The following is an entry in ClinVar:

ClinVar aggregate classification (germline): Uncertain significance (1 of 4 stars; one submission).

Conditions:
SDCCAG8-related disorder. Also called: SDCCAG8-related condition; SDCCAG8-Related Disorders.

Submission:

PreventionGenetics, part of Exact Sciences
Classification: Uncertain significance for SDCCAG8-related condition. Last evaluated: 2026-09-17. Review status: criteria provided, single submitter. Criteria: ACMG Guidelines, 2015. Collection method: clinical testing. Allele origin: germline.
Comment: The SDCCAG8 c.2113-1G>A variant is predicted to disrupt the AG splice acceptor site and interfere with normal splicing. To our knowledge, this variant has not been reported in the literature or in a large population database (gnomAD), indicating this variant is rare. This variant may affect splicing in the last exon and no truncating variants downstream of this position have been reported to be pathogenic. At this time, the clinical significance of this variant is uncertain due to the absence of conclusive functional and genetic evidence.

NM_006642.5(SDCCAG8):c.2113-1G>A

Genes: AKT3 (AKT serine/threonine kinase 3; minus strand), SDCCAG8 (SHH signaling and ciliogenesis regulator SDCCAG8; plus strand). Cytogenetic location: 1q43.
Variant type: single nucleotide variant.
Coding change: c.2113-1G>A on transcript NM_006642.5 (MANE Select); the canonical splice acceptor site of the intron before coding-DNA position 2113, G replaced by A.
Molecular consequence: splice acceptor variant. On other transcripts: synonymous variant (2), 3 prime UTR variant (2).
Genome position (GRCh38, 1-based): chr1:243,499,755, G>A. VCF-style: chr1-243499755-G-A. GRCh37 (hg19) VCF-style: chr1-243663057-G-A.
Other names: c.1386C>T, p.Asn462= (NM_001206729.2, NM_181690.2); c.*5494C>T (NM_001370074.1, NM_005465.7); c.1819-1G>A (NM_001350249.2); c.1210-1G>A (NM_001350251.2, NM_001350246.2, NM_001350247.2); c.2209-1G>A (NM_001350248.2).
Identifiers: ClinVar variation 4992860 (VCV004992860.1).